The following is an entry in ClinVar:

ClinVar aggregate classification (germline): Benign/Likely benign. Review status: criteria provided, multiple submitters, no conflicts (2 of 4 stars). 5 submissions from 5 submitters: Benign (1); Likely benign (4). Last evaluated 2025-11-12.

Conditions:
Tumoral calcinosis, hyperphosphatemic, familial, 1. Also called: LIPOCALCINOGRANULOMATOSIS; MORBUS TEUTSCHLAENDER; TEUTSCHLAENDER DISEASE, FAMILIAL; TUMORAL CALCINOSIS, PRIMARY HYPERPHOSPHATEMIC; CALCINOSIS, TUMORAL, WITH HYPERPHOSPHATEMIA; HYPEROSTOSIS WITH HYPERPHOSPHATEMIA. Identifiers: Orphanet 53715, MedGen C4692564, MONDO:0100252, OMIM 211900.

Allele frequency attached by ClinVar (database versions not stated): gnomAD 0.00015 and 0.00022; TOPMed 0.00022; gnomAD exomes 0.00023 and 0.00048; ExAC 0.00054; 1000 Genomes Project 30x 0.00078; 1000 Genomes Project 0.00080.
gnomAD v4.1: 382 of 1,614,154 alleles (0.024%); highest among the groups gnomAD compares: East Asian, 0.55%; 2 homozygotes.

Submissions (5):

Labcorp Genetics (formerly Invitae), Labcorp
Classification: Benign. Last evaluated: 2025-11-12. Review status: criteria provided, single submitter. Criteria: Invitae Variant Classification Sherloc (09022015). Collection method: clinical testing. Allele origin: germline.

Blueprint Genetics
Classification: Likely benign. Last evaluated: 2024-09-18. Review status: criteria provided, single submitter. Criteria: ACMG Guidelines, 2015. Collection method: clinical testing. Allele origin: germline.

Fulgent Genetics
Classification: Likely benign for Tumoral calcinosis, hyperphosphatemic, familial, 1. Last evaluated: 2021-12-14. Review status: criteria provided, single submitter. Criteria: ACMG Guidelines, 2015. Collection method: clinical testing. Allele origin: unknown.

Illumina Laboratory Services, Illumina
Classification: Likely benign for Tumoral calcinosis, hyperphosphatemic, familial, 1. Last evaluated: 2018-01-13. Review status: criteria provided, single submitter. Criteria: ICSL Variant Classification Criteria 13 December 2019. Collection method: clinical testing. Allele origin: germline.
Comment: This variant was observed in the ICSL laboratory as part of a predisposition screen in an ostensibly healthy population. It had not been previously curated by ICSL or reported in the Human Gene Mutation Database (HGMD: prior to June 1st, 2018), and was therefore a candidate for classification through an automated scoring system. Utilizing variant allele frequency, disease prevalence and penetrance estimates, and inheritance mode, an automated score was calculated to assess if this variant is too frequent to cause the disease. Based on the score and internal cut-off values, a variant classified as likely benign is not then subjected to further curation. The score for this variant resulted in a classification of likely benign for this disease.

Breakthrough Genomics
Classification: Likely benign. Review status: criteria provided, single submitter. Criteria: ACMG Guidelines, 2015. Collection method: not provided. Allele origin: germline. Inheritance: Autosomal recessive inheritance. Affected: yes.

NM_004482.4(GALNT3):c.504T>C (p.Thr168=)

Gene: GALNT3 (polypeptide N-acetylgalactosaminyltransferase 3; minus strand). Cytogenetic location: 2q24.3.
Variant type: single nucleotide variant.
Coding change: c.504T>C on transcript NM_004482.4 (MANE Select); coding-DNA position 504, T replaced by C.
Protein change: p.Thr168=; no amino-acid change (threonine 168 retained).
Molecular consequence: synonymous variant.
Genome position (GRCh38, 1-based): chr2:165,770,197, A>G on the plus strand (T>C on the coding strand, the complement: GALNT3 is on the minus strand). VCF-style: chr2-165770197-A-G. GRCh37 (hg19) VCF-style: chr2-166626707-A-G.
Identifiers: ClinVar variation 331787 (VCV000331787.16), dbSNP rs183709224, ClinGen allele CA1941228.
Genomic context (GRCh38, chr2:165,770,197, plus strand): 5'-CTGCAAAGCCTGGTGATAAAGAATAAACAATAAATATTCTTCAACATACTCAGGAGGTCG[A>G]GTGTCTGGTCCAAGATCTCGGTGCAAAGAAATCCTGTCACTTGCGAAAGCATTAAAGCAG-3'
Protein context (NP_004473.2, residues 158-178): ISLHRDLGPD[Thr168=]RPPECIEQKF